The following is an entry in ClinVar:

NM_006662.3(SRCAP):c.9367C>T (p.Arg3123Cys)

Gene: SRCAP (Snf2 related CREBBP activator protein; plus strand). Cytogenetic location: 16p11.2.
Variant type: single nucleotide variant.
Coding change: c.9367C>T on transcript NM_006662.3 (MANE Select); coding-DNA position 9367, C replaced by T.
Protein change: p.Arg3123Cys; replaces arginine 3123 with cysteine.
Molecular consequence: missense variant.
Genome position (GRCh38, 1-based): chr16:30,739,407, C>T. VCF-style: chr16-30739407-C-T. GRCh37 (hg19) VCF-style: chr16-30750728-C-T.
Other names: c.9367C>T (NM_006662.2); short protein forms R3123C.
Identifiers: ClinVar variation 2414063 (VCV002414063.9), dbSNP rs1168494909, ClinGen allele CA395644296.

ClinVar aggregate classification (germline): Uncertain significance. Review status: criteria provided, multiple submitters, no conflicts (2 of 4 stars). 3 submissions from 3 submitters: Uncertain significance (3). Last evaluated 2025-01-27.

Conditions:
Developmental delay, hypotonia, musculoskeletal defects, and behavioral abnormalities. Identifiers: MedGen C5562012, MONDO:0859202, OMIM 619595.
Floating-Harbor syndrome (FLHS). Also called: SRCAP-Related Floating-Harbor Syndrome; Short stature with delayed bone age, expressive language delay, a triangular face with a prominent nose and deep-set eyes; Pelletier-Leisti syndrome. Identifiers: Orphanet 2044, MedGen C0729582, MONDO:0007621, OMIM 136140.
Inborn genetic diseases. Identifiers: MedGen C0950123, MeSH D030342.

Allele frequency attached by ClinVar (database versions not stated): gnomAD exomes 0.00001; TOPMed 0.00002; gnomAD 0.00003.
gnomAD v4.1: 16 of 1,614,112 alleles (0.00099%); highest among the groups gnomAD compares: African/African-American, 0.0053%; no homozygotes.

Submissions (3):

Labcorp Genetics (formerly Invitae), Labcorp
Classification: Uncertain significance. Last evaluated: 2025-01-27. Review status: criteria provided, single submitter. Criteria: Invitae Variant Classification Sherloc (09022015). Collection method: clinical testing. Allele origin: germline.
Comment: This sequence change replaces arginine, which is basic and polar, with cysteine, which is neutral and slightly polar, at codon 3123 of the SRCAP protein (p.Arg3123Cys). This variant is present in population databases (no rsID available, gnomAD 0.008%). This variant has not been reported in the literature in individuals affected with SRCAP-related conditions. ClinVar contains an entry for this variant (Variation ID: 2414063). Invitae Evidence Modeling of protein sequence and biophysical properties (such as structural, functional, and spatial information, amino acid conservation, physicochemical variation, residue mobility, and thermodynamic stability) indicates that this missense variant is not expected to disrupt SRCAP protein function with a negative predictive value of 80%. In summary, the available evidence is currently insufficient to determine the role of this variant in disease. Therefore, it has been classified as a Variant of Uncertain Significance.

Fulgent Genetics
Classification: Uncertain significance for Floating-Harbor syndrome; Developmental delay, hypotonia, musculoskeletal defects, and behavioral abnormalities. Last evaluated: 2024-05-15. Review status: criteria provided, single submitter. Criteria: ACMG Guidelines, 2015. Collection method: clinical testing. Allele origin: germline.

Ambry Genetics
Classification: Uncertain significance for Inborn genetic diseases. Last evaluated: 2023-03-06. Review status: criteria provided, single submitter. Criteria: Ambry Variant Classification Scheme 2023. Collection method: clinical testing. Allele origin: germline.